The following is an entry in ClinVar:

NM_001127208.3(TET2):c.3579T>A (p.Cys1193Ter)

Genes: TET2 (tet methylcytosine dioxygenase 2; plus strand), TET2-AS1 (TET2 antisense RNA 1; minus strand). Cytogenetic location: 4q24.
Variant type: single nucleotide variant.
Coding change: c.3579T>A on transcript NM_001127208.3 (MANE Select); coding-DNA position 3579, T replaced by A.
Protein change: p.Cys1193Ter; replaces cysteine 1193 with a stop codon.
Molecular consequence: nonsense.
Genome position (GRCh38, 1-based): chr4:105,242,912, T>A. VCF-style: chr4-105242912-T-A. GRCh37 (hg19) VCF-style: chr4-106164069-T-A.
Other names: short protein forms C1193*.
Identifiers: ClinVar variation 1900665 (VCV001900665.5), dbSNP rs1560552898, ClinGen allele CA357804682.

ClinVar aggregate classification (germline): Uncertain significance (1 of 4 stars; one submission).

Allele frequency attached by ClinVar (database versions not stated): TOPMed below 0.00001.
gnomAD v4.1: 1 of 1,551,310 alleles (0.000064%); highest among the groups gnomAD compares: Non-Finnish European, 0.000087%; no homozygotes.

Submission:

Labcorp Genetics (formerly Invitae), Labcorp
Classification: Uncertain significance. Last evaluated: 2022-12-08. Review status: criteria provided, single submitter. Criteria: Invitae Variant Classification Sherloc (09022015). Collection method: clinical testing. Allele origin: germline.
Comment: In summary, the available evidence is currently insufficient to determine the role of this variant in disease. Therefore, it has been classified as a Variant of Uncertain Significance. Experimental studies and prediction algorithms are not available or were not evaluated, and the functional significance of this variant is currently unknown. This variant has not been reported in the literature in individuals affected with TET2-related conditions. This variant is not present in population databases (gnomAD no frequency). This sequence change creates a premature translational stop signal (p.Cys1193*) in the TET2 gene. It is expected to result in an absent or disrupted protein product. However, the current clinical and genetic evidence is not sufficient to establish whether loss-of-function variants in TET2 cause disease.